The following is an entry in ClinVar:

ClinVar aggregate classification (germline): Conflicting classifications of pathogenicity. Review status: criteria provided, conflicting classifications (1 of 4 stars). 2 submissions from 2 submitters: Likely pathogenic (1); Uncertain significance (1). Last evaluated 2025-10-03.

Conditions:
FBN2-related disorders.

gnomAD v4.1: 1 of 1,614,082 alleles (0.000062%); highest among the groups gnomAD compares: Non-Finnish European, 0.000085%; no homozygotes.

Submissions (2):

GeneDx
Classification: Uncertain significance. Last evaluated: 2025-10-03. Review status: criteria provided, single submitter. Criteria: GeneDx Variant Classification Process June 2021. Collection method: clinical testing. Allele origin: germline. Affected: yes.
Comment: Has not been previously published as pathogenic or benign to our knowledge; Not observed at significant frequency in large population cohorts (gnomAD); In silico analysis supports that this missense variant has a deleterious effect on protein structure/function; This variant is associated with the following publications: (PMID: 19006240, 18767143)

Blueprint Genetics
Classification: Likely pathogenic for FBN2-related disorders. Last evaluated: 2024-05-10. Review status: criteria provided, single submitter. Criteria: ACMG Guidelines, 2015. Collection method: clinical testing. Allele origin: de novo. Affected: yes. Observed: 1 variant allele.

NM_001999.4(FBN2):c.3968G>A (p.Cys1323Tyr)

Gene: FBN2 (fibrillin 2; minus strand). Cytogenetic location: 5q23.3.
Variant type: single nucleotide variant.
Coding change: c.3968G>A on transcript NM_001999.4 (MANE Select); coding-DNA position 3968, G replaced by A.
Protein change: p.Cys1323Tyr; replaces cysteine 1323 with tyrosine.
Molecular consequence: missense variant.
Genome position (GRCh38, 1-based): chr5:128,335,175, C>T on the plus strand (G>A on the coding strand, the complement: FBN2 is on the minus strand). VCF-style: chr5-128335175-C-T. GRCh37 (hg19) VCF-style: chr5-127670867-C-T.
Other names: short protein forms C1323Y.
Identifiers: ClinVar variation 3393739 (VCV003393739.3).
Genomic context (GRCh38, chr5:128,335,175, plus strand): 5'-GTGGGTGTGTGTGCATGTGTGTGTATAAATGTTTATCCTTTCTTATGATACCCACCAATG[C>T]ATGTTTTCATGTCCATGGAAGCCATGAAGCCATCATAGCAGAGGCAGCGATACTCTCCAG-3'
Protein context (NP_001990.2, residues 1313-1333): GFMASMDMKT[Cys1323Tyr]IDVNECDLNS